The following is an entry in ClinVar:

ClinVar aggregate classification (germline): Uncertain significance (1 of 4 stars; one submission).

Allele frequency attached by ClinVar (database versions not stated): gnomAD exomes below 0.00001.
gnomAD v4.1: 2 of 1,613,870 alleles (0.00012%); highest among the groups gnomAD compares: African/African-American, 0.0013%; no homozygotes.

Submission:

Labcorp Genetics (formerly Invitae), Labcorp
Classification: Uncertain significance. Last evaluated: 2022-10-27. Review status: criteria provided, single submitter. Criteria: Invitae Variant Classification Sherloc (09022015). Collection method: clinical testing. Allele origin: germline.
Comment: This sequence change replaces threonine, which is neutral and polar, with alanine, which is neutral and non-polar, at codon 60 of the RP1L1 protein (p.Thr60Ala). This variant is not present in population databases (gnomAD no frequency). This variant has not been reported in the literature in individuals affected with RP1L1-related conditions. Advanced modeling of protein sequence and biophysical properties (such as structural, functional, and spatial information, amino acid conservation, physicochemical variation, residue mobility, and thermodynamic stability) performed at Invitae indicates that this missense variant is not expected to disrupt RP1L1 protein function. In summary, the available evidence is currently insufficient to determine the role of this variant in disease. Therefore, it has been classified as a Variant of Uncertain Significance.

NM_178857.6(RP1L1):c.178A>G (p.Thr60Ala)

Gene: RP1L1 (RP1 like 1). Cytogenetic location: 8p23.1.
Variant type: single nucleotide variant.
Coding change: c.178A>G on transcript NM_178857.6 (MANE Select); coding-DNA position 178, A replaced by G.
Protein change: p.Thr60Ala; replaces threonine 60 with alanine.
Molecular consequence: missense variant.
Genome position (GRCh38, 1-based): chr8:10,623,024, T>C on the plus strand (A>G on the coding strand, the complement: RP1L1 is on the minus strand). VCF-style: chr8-10623024-T-C. GRCh37 (hg19) VCF-style: chr8-10480534-T-C.
Other names: short protein forms T60A.
Identifiers: ClinVar variation 2896273 (VCV002896273.3), dbSNP rs2486319310, ClinGen allele CA370300944.